The following is an entry in ClinVar:

ClinVar aggregate classification (germline): Uncertain significance (1 of 4 stars; one submission).

Conditions:
Birt-Hogg-Dube syndrome. Also called: Birt Hogg Dubé syndrome. Identifiers: Orphanet 122, MedGen C0346010, MONDO:0800444.

gnomAD v4.1: 3 of 1,613,882 alleles (0.00019%); highest among the groups gnomAD compares: Middle Eastern, 0.017%; no homozygotes.

Submission:

Labcorp Genetics (formerly Invitae), Labcorp
Classification: Uncertain significance for Birt-Hogg-Dube syndrome. Last evaluated: 2025-04-27. Review status: criteria provided, single submitter. Criteria: Invitae Variant Classification Sherloc (09022015). Collection method: clinical testing. Allele origin: germline.
Comment: This sequence change replaces phenylalanine, which is neutral and non-polar, with leucine, which is neutral and non-polar, at codon 346 of the FLCN protein (p.Phe346Leu). This variant is not present in population databases (gnomAD no frequency). This variant has not been reported in the literature in individuals affected with FLCN-related conditions. Invitae Evidence Modeling of protein sequence and biophysical properties (such as structural, functional, and spatial information, amino acid conservation, physicochemical variation, residue mobility, and thermodynamic stability) indicates that this missense variant is not expected to disrupt FLCN protein function with a negative predictive value of 80%. In summary, the available evidence is currently insufficient to determine the role of this variant in disease. Therefore, it has been classified as a Variant of Uncertain Significance.

NM_144997.7(FLCN):c.1038C>G (p.Phe346Leu)

Gene: FLCN (folliculin; minus strand). Cytogenetic location: 17p11.2.
Variant type: single nucleotide variant.
Coding change: c.1038C>G on transcript NM_144997.7 (MANE Select); coding-DNA position 1038, C replaced by G.
Protein change: p.Phe346Leu; replaces phenylalanine 346 with leucine.
Molecular consequence: missense variant.
Genome position (GRCh38, 1-based): chr17:17,219,043, G>C on the plus strand (C>G on the coding strand, the complement: FLCN is on the minus strand). VCF-style: chr17-17219043-G-C. GRCh37 (hg19) VCF-style: chr17-17122357-G-C.
Other names: c.1092C>G, p.Phe364Leu (NM_001353229.2); c.1038C>G, p.Phe346Leu (NM_001353230.2, NM_001353231.2); short protein forms F346L, F364L.
Identifiers: ClinVar variation 4748581 (VCV004748581.1).